The following is an entry in ClinVar:

NM_000330.4(RS1):c.295A>G (p.Asn99Asp)

Genes: CDKL5 (cyclin dependent kinase like 5; plus strand), RS1 (retinoschisin 1; minus strand). Cytogenetic location: Xp22.13.
Variant type: single nucleotide variant.
Coding change: c.295A>G on transcript NM_000330.4 (MANE Select); coding-DNA position 295, A replaced by G.
Protein change: p.Asn99Asp; replaces asparagine 99 with aspartic acid.
Molecular consequence: missense variant. On other transcripts: intron variant (2).
Genome position (GRCh38, 1-based): chrX:18,647,222, T>C on the plus strand (A>G on the coding strand, the complement: RS1 is on the minus strand). VCF-style: chrX-18647222-T-C. GRCh37 (hg19) VCF-style: chrX-18665342-T-C.
Other names: NM_000330.4(RS1):c.295A>G; p.Asn99Asp; c.2797+1132T>C (NM_003159.3, NM_001037343.2); short protein forms N99D.
Identifiers: ClinVar variation 710170 (VCV000710170.16), dbSNP rs144683916, ClinGen allele CA10360704.

ClinVar aggregate classification (germline): Benign. Review status: reviewed by expert panel (3 of 4 stars). 5 submissions from 5 submitters: Benign (1). 4 of the submissions do not count toward it. Last evaluated 2025-05-19.

Conditions:
Juvenile retinoschisis (RS1). Also called: X-linked retinoschisis; X-Linked Juvenile Retinoschisis. Identifiers: Orphanet 792, MedGen C3714753, MONDO:0010725, OMIM 312700.

Allele frequency attached by ClinVar (database versions not stated): gnomAD exomes 0.00180 and 0.00509; ESP Exome Variant Server 0.02471; TOPMed 0.02147; 1000 Genomes Project 30x 0.01748; gnomAD 0.01803 and 0.01920; ExAC 0.00679; 1000 Genomes Project 0.01510.
gnomAD v4.1: 4,084 of 1,209,000 alleles (0.34%); highest among the groups gnomAD compares: African/African-American, 6.3%; 89 homozygotes.

Submissions (5):

ClinGen X-linked Inherited Retinal Disease Variant Curation Expert Panel, ClinGen
Classification: Benign for Juvenile retinoschisis. Last evaluated: 2025-05-19. Review status: reviewed by expert panel. Criteria: ClinGen X LinkedIRD ACMG Specifications RS1 V1.0.0. Collection method: curation. Allele origin: germline. Inheritance: X-linked inheritance.
Comment: The NM_000330.4(RS1):c.295A>G variant is a missense variant encoding the substitution of Asparagine with Aspartic acid at amino acid 99. This variant is present in gnomAD v4.1.0 at a frequency of 0.002748 among hemizygous individuals, with 1090 variant alleles / 396588 total alleles, which is higher than the ClinGen X-linked IRD VCEP BA1 threshold of >0.0002 (BA1). This variant has been observed in cis with the variant c.608C>T (p.Pro203Leu) (PMID: 35456481) which has been previously classified as pathogenic by the ClinGen X-linked IRD VCEP for X-linked retinoschisis, with the phase of the variants confirmed by maternal genotype testing. However, BP2 has not been recommended for RS1, so this code is not met. The computational predictor REVEL gives a score of 0.443, which is between the ClinGen X-linked IRD VCEP thresholds of >0.664 and <0.290 and does not predict a damaging effect on RS1 function. Additionally, the splicing impact predictor SpliceAI gives a score of 0.00, which is below the ClinGen X-linked IRD VCEP recommended threshold of ≥0.2 and does not strongly predict an impact on splicing. Collectively, the BP4 and PP3 codes do not apply. In summary, this variant is classified as benign for X-linked retinoschisis based on the ClinGen X-linked Inherited Retinal Disease Expert Panel Specifications to the ACMG/AMP Variant Interpretation Guidelines for RS1 Version 1.0.0: BA1 (date of approval 01/24/2025).

Labcorp Genetics (formerly Invitae), Labcorp
Classification: Benign. Last evaluated: 2026-02-04. Review status: criteria provided, single submitter. Criteria: Invitae Variant Classification Sherloc (09022015). Collection method: clinical testing. Allele origin: germline. Not counted in ClinVar's aggregate classification.

GeneDx
Classification: Benign. Last evaluated: 2019-02-21. Review status: criteria provided, single submitter. Criteria: GeneDx Variant Classification Process June 2021. Collection method: clinical testing. Allele origin: germline. Affected: yes. Not counted in ClinVar's aggregate classification.

Breakthrough Genomics
Classification: Benign. Review status: criteria provided, single submitter. Criteria: ACMG Guidelines, 2015. Collection method: not provided. Allele origin: germline. Inheritance: X-linked inheritance. Affected: yes. Not counted in ClinVar's aggregate classification.

Natera, Inc.
Classification: Benign for X-linked retinoschisis. Last evaluated: 2019-11-11. Review status: no assertion criteria provided. Collection method: clinical testing. Allele origin: germline. Not counted in ClinVar's aggregate classification.